The following is an entry in ClinVar:

ClinVar aggregate classification (germline): Uncertain significance (0 of 4 stars; one submission).

Conditions:
PLXNA1-related disorder. Also called: PLXNA1-related condition.

gnomAD v4.1: 3 of 1,611,694 alleles (0.00019%); highest among the groups gnomAD compares: African/African-American, 0.0013%; no homozygotes.

Submission:

PreventionGenetics, part of Exact Sciences
Classification: Uncertain significance for PLXNA1-related condition. Last evaluated: 2023-11-29. Review status: no assertion criteria provided. Collection method: clinical testing. Allele origin: germline.
Comment: The PLXNA1 c.2935A>C variant is predicted to result in the amino acid substitution p.Ile979Leu. To our knowledge, this variant has not been reported in the literature. This variant is reported in 0.00088% of alleles in individuals of European (Non-Finnish) descent in gnomAD. At this time, the clinical significance of this variant is uncertain due to the absence of conclusive functional and genetic evidence.

NM_032242.4(PLXNA1):c.2935A>C (p.Ile979Leu)

Genes: PLXNA1 (plexin A1; plus strand), LOC129937476 (ATAC-STARR-seq lymphoblastoid active region 20450; plus strand). Cytogenetic location: 3q21.3.
Variant type: single nucleotide variant.
Coding change: c.2935A>C on transcript NM_032242.4 (MANE Select); coding-DNA position 2935, A replaced by C.
Protein change: p.Ile979Leu; replaces isoleucine 979 with leucine.
Molecular consequence: missense variant.
Genome position (GRCh38, 1-based): chr3:127,015,241, A>C. VCF-style: chr3-127015241-A-C. GRCh37 (hg19) VCF-style: chr3-126734084-A-C.
Other names: short protein forms I979L.
Identifiers: ClinVar variation 3354401 (VCV003354401.1).